The following is an entry in ClinVar:

ClinVar aggregate classification (germline): Uncertain significance (1 of 4 stars; one submission).

Conditions:
Baller-Gerold syndrome (BGS). Also called: CRANIOSYNOSTOSIS WITH RADIAL DEFECTS. Identifiers: Orphanet 1225, MedGen C0265308, MONDO:0009039, OMIM 218600.

Submission:

Labcorp Genetics (formerly Invitae), Labcorp
Classification: Uncertain significance for Baller-Gerold syndrome. Last evaluated: 2021-05-18. Review status: criteria provided, single submitter. Criteria: Invitae Variant Classification Sherloc (09022015). Collection method: clinical testing. Allele origin: germline.
Comment: Experimental studies and prediction algorithms are not available or were not evaluated, and the functional significance of this variant is currently unknown. This variant has not been reported in the literature in individuals with RECQL4-related conditions. This variant is not present in population databases (ExAC no frequency). This sequence change replaces glycine with valine at codon 1118 of the RECQL4 protein (p.Gly1118Val). The glycine residue is moderately conserved and there is a moderate physicochemical difference between glycine and Valine. In summary, the available evidence is currently insufficient to determine the role of this variant in disease. Therefore, it has been classified as a Variant of Uncertain Significance.

NM_004260.4(RECQL4):c.3353G>T (p.Gly1118Val)

Gene: RECQL4 (RecQ like helicase 4; minus strand). Cytogenetic location: 8q24.3.
Variant type: single nucleotide variant.
Coding change: c.3353G>T on transcript NM_004260.4 (MANE Select); coding-DNA position 3353, G replaced by T.
Protein change: p.Gly1118Val; replaces glycine 1118 with valine.
Molecular consequence: missense variant.
Genome position (GRCh38, 1-based): chr8:144,511,951, C>A on the plus strand (G>T on the coding strand, the complement: RECQL4 is on the minus strand). VCF-style: chr8-144511951-C-A. GRCh37 (hg19) VCF-style: chr8-145737334-C-A.
Other names: short protein forms G1118V.
Identifiers: ClinVar variation 1354689 (VCV001354689.6), dbSNP rs1276726206, ClinGen allele CA372668353.